The following is an entry in ClinVar:

NM_052945.4(TNFRSF13C):c.246C>T (p.Pro82=)

Genes: TNFRSF13C (TNF receptor superfamily member 13C; minus strand), LOC130067574 (ATAC-STARR-seq lymphoblastoid silent region 13813; plus strand). Cytogenetic location: 22q13.2.
Variant type: single nucleotide variant.
Coding change: c.246C>T on transcript NM_052945.4 (MANE Select); coding-DNA position 246, C replaced by T.
Protein change: p.Pro82=; no amino-acid change (proline 82 retained).
Molecular consequence: synonymous variant.
Genome position (GRCh38, 1-based): chr22:41,926,222, G>A on the plus strand (C>T on the coding strand, the complement: TNFRSF13C is on the minus strand). VCF-style: chr22-41926222-G-A. GRCh37 (hg19) VCF-style: chr22-42322226-G-A.
Identifiers: ClinVar variation 785729 (VCV000785729.17), dbSNP rs779365266, ClinGen allele CA10262499.
Genomic context (GRCh38, chr22:41,926,222, plus strand): 5'-CCTCCAGCTCACCAGACCCACCAGGACCAGCGCCAGGACCAGTGCCAGGCCCAGCAGCGC[G>A]GGGGCGCCAAAGAGCAGCCCGGGCAGGGGCAGCGCCGCCTCGCCGGCCCCCGCGCCCACC-3'
Protein context (NP_443177.1, residues 72-92): LPLPGLLFGA[Pro82=]ALLGLALVLA

ClinVar aggregate classification (germline): Conflicting classifications of pathogenicity. Review status: criteria provided, conflicting classifications (1 of 4 stars). 4 submissions from 4 submitters: Uncertain significance (1); Benign (1); Likely benign (1). 1 of the submissions does not count toward it. Last evaluated 2025-12-08.

Conditions:
Immunodeficiency, common variable, 4. Also called: ANTIBODY DEFICIENCY DUE TO BAFFR DEFECT. Identifiers: Orphanet 1572, Orphanet 696925, MedGen C3150739, MONDO:0013284, OMIM 613494.
TNFRSF13C-related disorder. Also called: TNFRSF13C-related condition.

Allele frequency attached by ClinVar (database versions not stated): gnomAD exomes 0.00019 and 0.00038; gnomAD 0.00026 and 0.00027; ExAC 0.00029; TOPMed 0.00031.

Submissions (4):

Labcorp Genetics (formerly Invitae), Labcorp
Classification: Benign for Immunodeficiency, common variable, 4. Last evaluated: 2025-12-08. Review status: criteria provided, single submitter. Criteria: Invitae Variant Classification Sherloc (09022015). Collection method: clinical testing. Allele origin: germline.

Blueprint Genetics
Classification: Likely benign. Last evaluated: 2024-02-28. Review status: criteria provided, single submitter. Criteria: ACMG Guidelines, 2015. Collection method: clinical testing. Allele origin: germline.

Illumina Laboratory Services, Illumina
Classification: Uncertain significance for Immunodeficiency, common variable, 4. Last evaluated: 2018-01-13. Review status: criteria provided, single submitter. Criteria: ICSL Variant Classification Criteria 13 December 2019. Collection method: clinical testing. Allele origin: germline.

PreventionGenetics, part of Exact Sciences
Classification: Likely benign for TNFRSF13C-related condition. Last evaluated: 2024-03-14. Review status: no assertion criteria provided. Collection method: clinical testing. Allele origin: germline. Not counted in ClinVar's aggregate classification.
Comment: This variant is classified as likely benign based on ACMG/AMP sequence variant interpretation guidelines (Richards et al. 2015 PMID: 25741868, with internal and published modifications).